The following is an entry in ClinVar:

ClinVar aggregate classification (germline): Pathogenic (1 of 4 stars; one submission).

Conditions:
Lethal left ventricular non-compaction-seizures-hypotonia-cataract-developmental delay syndrome. Also called: Combined oxidative phosphorylation deficiency 31. Identifiers: Orphanet 478049, MedGen C4310661, MONDO:0014976, OMIM 617228.

Submission:

Undiagnosed Diseases Network, NIH
Classification: Pathogenic for Lethal left ventricular non-compaction-seizures-hypotonia-cataract-developmental delay syndrome. Last evaluated: 2017-08-14. Review status: criteria provided, single submitter. Criteria: ACMG Guidelines, 2015. Collection method: clinical testing. Allele origin: maternal. Inheritance: Autosomal recessive inheritance. Affected: yes. Observed: 1 variant allele, 1 compound heterozygote. Study: Undiagnosed Diseases Network (NIH), UDN.
Comment: Our analysis identified a loss of copy number encompassing at least 6,956 bp (nucleotide 24,436,682 to 24,443,638) in the long arm of chromosome 13, involving exons 7 and 8 of the MIPEP gene. The signal pattern detected is consistent with a heterozygous deletion.

NM_005932.4(MIPEP):c.787-51_993-181del

Genes: MIPEP (mitochondrial intermediate peptidase; minus strand), LOC130009386 (ATAC-STARR-seq lymphoblastoid active region 7468; plus strand). Cytogenetic location: 13q12.12.
Variant type: Deletion.
Coding change: c.787-51_993-181del on transcript NM_005932.4 (MANE Select); 51 bases into the intron before coding-DNA position 787 through 181 bases into the intron before coding-DNA position 993, 6,957 bases deleted.
Molecular consequence: splice acceptor variant, splice donor variant.
Genome position (GRCh38, 1-based): chr13:23,862,543-23,869,499, 6,957 bases deleted. GRCh37 (hg19): chr13:24,436,682-24,443,638.
Identifiers: ClinVar variation 584431 (VCV000584431.3), ClinGen allele CA891843656.